The following is an entry in ClinVar:

ClinVar aggregate classification (germline): Uncertain significance (1 of 4 stars; one submission).

Conditions:
Autosomal recessive limb-girdle muscular dystrophy type 2J (LGMDR10). Also called: Limb-girdle muscular dystrophy, type 2J; MUSCULAR DYSTROPHY, LIMB-GIRDLE, AUTOSOMAL RECESSIVE 10. Identifiers: Orphanet 140922, MedGen C1837342, MONDO:0012127, OMIM 608807.
Dilated cardiomyopathy 1G (CMD1G). Identifiers: Orphanet 154, MedGen C1858763, MONDO:0011400, OMIM 604145.

Submission:

Labcorp Genetics (formerly Invitae), Labcorp
Classification: Uncertain significance for Dilated cardiomyopathy 1G; Autosomal recessive limb-girdle muscular dystrophy type 2J. Last evaluated: 2024-04-13. Review status: criteria provided, single submitter. Criteria: Invitae Variant Classification Sherloc (09022015). Collection method: clinical testing. Allele origin: germline.
Comment: This sequence change replaces alanine, which is neutral and non-polar, with serine, which is neutral and polar, at codon 34739 of the TTN protein (p.Ala34739Ser). This variant is not present in population databases (gnomAD no frequency). This variant has not been reported in the literature in individuals affected with TTN-related conditions. Experimental studies and prediction algorithms are not available or were not evaluated, and the functional significance of this variant is currently unknown. This variant is located in the M band of TTN (PMID: 25589632). Non-truncating variants in this region may be relevant for neuromuscular disorders, but have not been definitively shown to cause cardiomyopathy (PMID: 23975875). In summary, the available evidence is currently insufficient to determine the role of this variant in disease. Therefore, it has been classified as a Variant of Uncertain Significance.

Literature cited by the submitters: PubMed 25589632; PubMed 23975875.

NM_001267550.2(TTN):c.104215G>T (p.Ala34739Ser)

Genes: TTN (titin; minus strand), TTN-AS1 (TTN antisense RNA 1; plus strand). Cytogenetic location: 2q31.2.
Variant type: single nucleotide variant.
Coding change: c.104215G>T on transcript NM_001267550.2 (MANE Select); coding-DNA position 104215, G replaced by T.
Protein change: p.Ala34739Ser; replaces alanine 34739 with serine.
Molecular consequence: missense variant.
Genome position (GRCh38, 1-based): chr2:178,532,400, C>A on the plus strand (G>T on the coding strand, the complement: TTN is on the minus strand). VCF-style: chr2-178532400-C-A. GRCh37 (hg19) VCF-style: chr2-179397127-C-A.
Other names: c.99292G>T, p.Ala33098Ser (NM_001256850.1); c.77020G>T, p.Ala25674Ser (NM_003319.4); c.96511G>T, p.Ala32171Ser (NM_133378.4); c.77395G>T, p.Ala25799Ser (NM_133432.3); c.77596G>T, p.Ala25866Ser (NM_133437.4); short protein forms A25674S, A25799S, A25866S, A32171S, A33098S, A34739S.
Identifiers: ClinVar variation 3751064 (VCV003751064.2).